The following is an entry in ClinVar:

NM_000553.6(WRN):c.4156A>G (p.Lys1386Glu)

Gene: WRN (WRN RecQ like helicase; plus strand). Cytogenetic location: 8p12.
Variant type: single nucleotide variant.
Coding change: c.4156A>G on transcript NM_000553.6 (MANE Select); coding-DNA position 4156, A replaced by G.
Protein change: p.Lys1386Glu; replaces lysine 1386 with glutamic acid.
Molecular consequence: missense variant.
Genome position (GRCh38, 1-based): chr8:31,167,195, A>G. VCF-style: chr8-31167195-A-G. GRCh37 (hg19) VCF-style: chr8-31024711-A-G.
Other names: short protein forms K1386E.
Identifiers: ClinVar variation 2418278 (VCV002418278.6), dbSNP rs2536081717, ClinGen allele CA370909923.

ClinVar aggregate classification (germline): Uncertain significance (1 of 4 stars; one submission).

Conditions:
Werner syndrome (WRN). Identifiers: Orphanet 902, MedGen C0043119, MONDO:0010196, OMIM 277700.

gnomAD v4.1: 1 of 1,613,202 alleles (0.000062%); highest among the groups gnomAD compares: East Asian, 0.0022%; no homozygotes.

Submission:

Labcorp Genetics (formerly Invitae), Labcorp
Classification: Uncertain significance for Werner syndrome. Last evaluated: 2022-07-14. Review status: criteria provided, single submitter. Criteria: Invitae Variant Classification Sherloc (09022015). Collection method: clinical testing. Allele origin: germline.
Comment: This sequence change replaces lysine, which is basic and polar, with glutamic acid, which is acidic and polar, at codon 1386 of the WRN protein (p.Lys1386Glu). This variant is not present in population databases (gnomAD no frequency). This variant has not been reported in the literature in individuals affected with WRN-related conditions. Algorithms developed to predict the effect of missense changes on protein structure and function are either unavailable or do not agree on the potential impact of this missense change (SIFT: "Not Available"; PolyPhen-2: "Benign"; Align-GVGD: "Not Available"). In summary, the available evidence is currently insufficient to determine the role of this variant in disease. Therefore, it has been classified as a Variant of Uncertain Significance.